The following is an entry in ClinVar:

NM_000257.4(MYH7):c.1177G>C (p.Ala393Pro)

Gene: MYH7 (myosin heavy chain 7; minus strand). Cytogenetic location: 14q11.2.
Variant type: single nucleotide variant.
Coding change: c.1177G>C on transcript NM_000257.4 (MANE Select); coding-DNA position 1177, G replaced by C.
Protein change: p.Ala393Pro; replaces alanine 393 with proline.
Molecular consequence: missense variant.
Genome position (GRCh38, 1-based): chr14:23,429,309, C>G on the plus strand (G>C on the coding strand, the complement: MYH7 is on the minus strand). VCF-style: chr14-23429309-C-G. GRCh37 (hg19) VCF-style: chr14-23898518-C-G.
Other names: p.A393P:GCC>CCC; c.1177G>C (LRG_384t1); short protein forms A393P.
Identifiers: ClinVar variation 181404 (VCV000181404.13), dbSNP rs730880925, ClinGen allele CA010321.

ClinVar aggregate classification (germline): Conflicting classifications of pathogenicity. Review status: criteria provided, conflicting classifications (1 of 4 stars). 2 submissions from 2 submitters: Likely pathogenic (1); Uncertain significance (1). Last evaluated 2025-06-02.

Conditions:
Hypertrophic cardiomyopathy. Also called: HYPERTROPHIC MYOCARDIOPATHY. Identifiers: Orphanet 217569, MedGen C0007194, MeSH D002312, MONDO:0005045, HP:0001639.

Submissions (2):

GeneDx
Classification: Likely pathogenic. Last evaluated: 2025-06-02. Review status: criteria provided, single submitter. Criteria: GeneDx Variant Classification Process June 2021. Collection method: clinical testing. Allele origin: germline. Affected: yes.
Comment: Has not been previously published as pathogenic or benign to our knowledge; Not observed at significant frequency in large population cohorts (gnomAD); In silico analysis supports that this missense variant has a deleterious effect on protein structure/function; This variant is associated with the following publications: (PMID: 27532257, 29300372)

Labcorp Genetics (formerly Invitae), Labcorp
Classification: Uncertain significance for Hypertrophic cardiomyopathy. Last evaluated: 2018-09-06. Review status: criteria provided, single submitter. Criteria: Invitae Variant Classification Sherloc (09022015). Collection method: clinical testing. Allele origin: germline.
Comment: In summary, the available evidence is currently insufficient to determine the role of this variant in disease. Therefore, it has been classified as a Variant of Uncertain Significance. This variant is found within a region of MYH7 between codons 181 and 937 that contains the majority of the myosin head domain. Missense variants in this region have been shown to be significantly overrepresented in individuals with hypertrophic cardiomyopathy (PMID: 27532257). Algorithms developed to predict the effect of missense changes on protein structure and function are either unavailable or do not agree on the potential impact of this missense change (SIFT: "Deleterious"; PolyPhen-2: "Probably Damaging"; Align-GVGD: "Class C0"). This variant has not been reported in the literature in individuals with MYH7-related disease. ClinVar contains an entry for this variant (Variation ID: 181404). This variant is not present in population databases (ExAC no frequency). This sequence change replaces alanine with proline at codon 393 of the MYH7 protein (p.Ala393Pro). The alanine residue is highly conserved and there is a small physicochemical difference between alanine and proline.

Literature cited by the submitters: PubMed 27532257 (cited by Labcorp Genetics (formerly Invitae), Labcorp).